The following is an entry in ClinVar:

ClinVar aggregate classification (germline): Uncertain significance. Review status: criteria provided, multiple submitters, no conflicts (2 of 4 stars). 3 submissions from 3 submitters: Uncertain significance (3). Last evaluated 2022-07-27.

Conditions:
Peroxisome biogenesis disorder. Identifiers: Orphanet 79189, MedGen C1832200, MONDO:0019234. Disease mechanism: loss of function.

Allele frequency attached by ClinVar (database versions not stated): gnomAD exomes below 0.00001 and 0.00003; gnomAD 0.00001; ExAC 0.00002; TOPMed 0.00002.
gnomAD v4.1: 7 of 1,613,558 alleles (0.00043%); highest among the groups gnomAD compares: Admixed American, 0.012%; no homozygotes.

Submissions (3):

Labcorp Genetics (formerly Invitae), Labcorp
Classification: Uncertain significance for Peroxisome biogenesis disorder. Last evaluated: 2022-07-27. Review status: criteria provided, single submitter. Criteria: Invitae Variant Classification Sherloc (09022015). Collection method: clinical testing. Allele origin: germline.
Comment: This sequence change replaces leucine, which is neutral and non-polar, with proline, which is neutral and non-polar, at codon 438 of the PEX6 protein (p.Leu438Pro). This variant is present in population databases (rs778025463, gnomAD 0.02%). This missense change has been observed in individual(s) with clinical features of peroxisomal biogenesis disorders (Invitae). In at least one individual the data is consistent with being in trans (on the opposite chromosome) from a pathogenic variant. ClinVar contains an entry for this variant (Variation ID: 197656). Algorithms developed to predict the effect of missense changes on protein structure and function (SIFT, PolyPhen-2, Align-GVGD) all suggest that this variant is likely to be disruptive. In summary, the available evidence is currently insufficient to determine the role of this variant in disease. Therefore, it has been classified as a Variant of Uncertain Significance.

Blueprint Genetics
Classification: Uncertain significance. Last evaluated: 2021-02-23. Review status: criteria provided, single submitter. Criteria: ACMG Guidelines, 2015. Collection method: clinical testing. Allele origin: germline.

Eurofins Ntd Llc (ga)
Classification: Uncertain significance. Last evaluated: 2016-04-11. Review status: criteria provided, single submitter. Criteria: EGL Classification Definitions 2015. Collection method: clinical testing. Allele origin: germline. Observed: 3 variant alleles, 3 heterozygotes.

NM_000287.4(PEX6):c.1313T>C (p.Leu438Pro)

Gene: PEX6 (peroxisomal biogenesis factor 6; minus strand). Cytogenetic location: 6p21.1.
Variant type: single nucleotide variant.
Coding change: c.1313T>C on transcript NM_000287.4 (MANE Select); coding-DNA position 1313, T replaced by C.
Protein change: p.Leu438Pro; replaces leucine 438 with proline.
Molecular consequence: missense variant. On other transcripts: non-coding transcript variant (1).
Genome position (GRCh38, 1-based): chr6:42,969,722, A>G on the plus strand (T>C on the coding strand, the complement: PEX6 is on the minus strand). VCF-style: chr6-42969722-A-G. GRCh37 (hg19) VCF-style: chr6-42937460-A-G.
Other names: c.1049T>C, p.Leu350Pro (NM_001316313.2); short protein forms L438P, L350P.
Identifiers: ClinVar variation 197656 (VCV000197656.9), dbSNP rs778025463, ClinGen allele CA245912.
Genomic context (GRCh38, chr6:42,969,722, plus strand): 5'-ACTCACCCTGGCTGGAGGCGAGGCTTCAGGACAGCACAGAGTTCAGACACCAAGGCCTCC[A>G]GGCCTGGAGGAGACAAACTGCTCCAGAGAGTGGATTCCTCTGAAGGGAGCCATGGAACAG-3'
Protein context (NP_000278.3, residues 428-448): TLWSSLSPPG[Leu438Pro]EALVSELCAV